The following is an entry in ClinVar:

NM_152703.5(SAMD9L):c.838G>T (p.Ala280Ser)

Gene: SAMD9L (sterile alpha motif domain containing 9 like; minus strand). Cytogenetic location: 7q21.2.
Variant type: single nucleotide variant.
Coding change: c.838G>T on transcript NM_152703.5 (MANE Select); coding-DNA position 838, G replaced by T.
Protein change: p.Ala280Ser; replaces alanine 280 with serine.
Molecular consequence: missense variant.
Genome position (GRCh38, 1-based): chr7:93,135,134, C>A on the plus strand (G>T on the coding strand, the complement: SAMD9L is on the minus strand). VCF-style: chr7-93135134-C-A. GRCh37 (hg19) VCF-style: chr7-92764447-C-A.
Other names: c.838G>T, p.Ala280Ser (NM_001303496.3, NM_001303497.3, NM_001303498.3 and 5 more transcripts); short protein forms A280S.
Identifiers: ClinVar variation 3792331 (VCV003792331.2).

ClinVar aggregate classification (germline): Conflicting classifications of pathogenicity. Review status: criteria provided, conflicting classifications (1 of 4 stars). 2 submissions from 2 submitters: Uncertain significance (1); Likely benign (1). Last evaluated 2025-11-03.

Conditions:
Inborn genetic diseases. Identifiers: MedGen C0950123, MeSH D030342.

gnomAD v4.1: 31 of 1,612,722 alleles (0.0019%); highest among the groups gnomAD compares: South Asian, 0.024%; no homozygotes.

Submissions (2):

Labcorp Genetics (formerly Invitae), Labcorp
Classification: Uncertain significance. Last evaluated: 2025-11-03. Review status: criteria provided, single submitter. Criteria: Invitae Variant Classification Sherloc (09022015). Collection method: clinical testing. Allele origin: germline.
Comment: This sequence change replaces alanine, which is neutral and non-polar, with serine, which is neutral and polar, at codon 280 of the SAMD9L protein (p.Ala280Ser). This variant is present in population databases (rs777844074, gnomAD 0.05%), and has an allele count higher than expected for a pathogenic variant. This variant has not been reported in the literature in individuals affected with SAMD9L-related conditions. ClinVar contains an entry for this variant (Variation ID: 3792331). An algorithm developed to predict the effect of missense changes on protein structure and function (PolyPhen-2) suggests that this variant is likely to be disruptive. In summary, the available evidence is currently insufficient to determine the role of this variant in disease. Therefore, it has been classified as a Variant of Uncertain Significance.

Ambry Genetics
Classification: Likely benign for Inborn genetic diseases. Last evaluated: 2025-01-19. Review status: criteria provided, single submitter. Criteria: Ambry Variant Classification Scheme 2023. Collection method: clinical testing. Allele origin: germline.